The following is an entry in ClinVar:

ClinVar aggregate classification (germline): Benign/Likely benign. Review status: criteria provided, multiple submitters, no conflicts (2 of 4 stars). 3 submissions from 3 submitters: Benign (1); Likely benign (2). Last evaluated 2025-05-30.

Conditions:
Tuberous sclerosis 2 (TSC2). Identifiers: Orphanet 805, MedGen C1860707, MONDO:0013199, OMIM 613254.
Hereditary cancer-predisposing syndrome. Also called: Tumor predisposition; Hereditary Cancer Syndrome; Neoplastic Syndromes, Hereditary; Hereditary neoplastic syndrome. Identifiers: Orphanet 140162, MedGen C0027672, MeSH D009386, MONDO:0015356.

Submissions (3):

Myriad Genetics, Inc.
Classification: Benign for Tuberous sclerosis 2. Last evaluated: 2025-05-30. Review status: criteria provided, single submitter. Criteria: Myriad Autosomal Dominant, Autosomal Recessive and X-Linked Classification Criteria (2023). Collection method: clinical testing. Allele origin: unknown.
Comment: This variant is considered benign. This variant is a silent/synonymous amino acid change and it is not expected to impact splicing.

Ambry Genetics
Classification: Likely benign for Hereditary cancer-predisposing syndrome. Last evaluated: 2023-05-07. Review status: criteria provided, single submitter. Criteria: Ambry Variant Classification Scheme 2023. Collection method: clinical testing. Allele origin: germline.

Labcorp Genetics (formerly Invitae), Labcorp
Classification: Likely benign for Tuberous sclerosis 2. Last evaluated: 2018-05-30. Review status: criteria provided, single submitter. Criteria: Invitae Variant Classification Sherloc (09022015). Collection method: clinical testing. Allele origin: germline.

NM_000548.5(TSC2):c.3657C>T (p.Phe1219=)

Gene: TSC2 (TSC complex subunit 2; plus strand). Cytogenetic location: 16p13.3.
Variant type: single nucleotide variant.
Coding change: c.3657C>T on transcript NM_000548.5 (MANE Select); coding-DNA position 3657, C replaced by T.
Protein change: p.Phe1219=; no amino-acid change (phenylalanine 1219 retained).
Molecular consequence: synonymous variant.
Genome position (GRCh38, 1-based): chr16:2,081,641, C>T. VCF-style: chr16-2081641-C-T. GRCh37 (hg19) VCF-style: chr16-2131642-C-T.
Other names: c.3525C>T, p.Phe1175= (NM_001077183.3, NM_001370404.1); c.3657C>T, p.Phe1219= (NM_001114382.3); c.3417C>T, p.Phe1139= (NM_001318827.2); c.3381C>T, p.Phe1127= (NM_001318829.2); c.2925C>T, p.Phe975= (NM_001318831.2); c.3558C>T, p.Phe1186= (NM_001318832.2); c.3528C>T, p.Phe1176= (NM_001363528.2, NM_001370405.1, NM_021055.3).
Identifiers: ClinVar variation 762811 (VCV000762811.12), dbSNP rs1596399888, ClinGen allele CA493043030.